The following is an entry in ClinVar:

ClinVar aggregate classification (germline): Conflicting classifications of pathogenicity. Review status: criteria provided, conflicting classifications (1 of 4 stars). 8 submissions from 8 submitters: Uncertain significance (2); Benign (1); Likely benign (4). 1 of the submissions does not count toward it. Last evaluated 2026-01-04.

Conditions:
TTN-related disorder. Also called: TTN-related condition; TTN-related disease; TTN-related disorders.
Autosomal recessive limb-girdle muscular dystrophy type 2J (LGMDR10). Also called: Limb-girdle muscular dystrophy, type 2J; MUSCULAR DYSTROPHY, LIMB-GIRDLE, AUTOSOMAL RECESSIVE 10. Identifiers: Orphanet 140922, MedGen C1837342, MONDO:0012127, OMIM 608807.
Dilated cardiomyopathy 1G (CMD1G). Identifiers: Orphanet 154, MedGen C1858763, MONDO:0011400, OMIM 604145.

Allele frequency attached by ClinVar (database versions not stated): gnomAD 0.00006; TOPMed 0.00011; gnomAD exomes 0.00034; ExAC 0.00036.
gnomAD v4.1: 104 of 1,611,210 alleles (0.0065%); highest among the groups gnomAD compares: Admixed American, 0.17%; no homozygotes.

Submissions (8):

Labcorp Genetics (formerly Invitae), Labcorp
Classification: Likely benign for Dilated cardiomyopathy 1G; Autosomal recessive limb-girdle muscular dystrophy type 2J. Last evaluated: 2026-01-04. Review status: criteria provided, single submitter. Criteria: Invitae Variant Classification Sherloc (09022015). Collection method: clinical testing. Allele origin: germline.

Mayo Clinic Laboratories, Mayo Clinic
Classification: Likely benign. Last evaluated: 2025-09-04. Review status: criteria provided, single submitter. Criteria: ACMG Guidelines, 2015. Collection method: clinical testing. Allele origin: germline. Observed: 2 variant alleles.
Comment: BS1, BP1, PP3

Athena Diagnostics
Classification: Benign. Last evaluated: 2024-07-30. Review status: criteria provided, single submitter. Criteria: Athena Diagnostics Criteria. Collection method: clinical testing. Allele origin: unknown.

Revvity Omics, Revvity
Classification: Uncertain significance. Last evaluated: 2024-07-02. Review status: criteria provided, single submitter. Criteria: ACMG Guidelines, 2015. Collection method: clinical testing. Allele origin: germline.

Women's Health and Genetics/Laboratory Corporation of America, LabCorp
Classification: Likely benign. Last evaluated: 2021-09-21. Review status: criteria provided, single submitter. Criteria: LabCorp Variant Classification Summary - May 2015. Collection method: clinical testing. Allele origin: germline.
Comment: Variant summary: TTN c.41702T>A (p.Leu13901His) results in a non-conservative amino acid change located in the A-Band of the encoded protein sequence. Five of five in-silico tools predict a damaging effect of the variant on protein function. The variant allele was found at a frequency of 0.00034 in 246398 control chromosomes, predominantly at a frequency of 0.0025 within the Latino subpopulation in the gnomAD database. The observed variant frequency within Latino control individuals in the gnomAD database is approximately 4 fold of the estimated maximal expected allele frequency for a pathogenic variant in TTN causing Cardiomyopathy phenotype (0.00063), strongly suggesting that the variant is a benign polymorphism found primarily in populations of Latino origin. The variant was reported in a patient with DCM, without strong evidence for causality (Begay_2015). To our knowledge, no experimental evidence demonstrating its impact on protein function have been reported. Four clinical diagnostic laboratories have submitted clinical-significance assessments for this variant to ClinVar after 2014 without evidence for independent evaluation. Three submitters classified as likely benign/benign while one classified as VUS. Based on the evidence outlined above, the variant was classified as likely benign.

GeneDx
Classification: Likely benign. Last evaluated: 2019-04-10. Review status: criteria provided, single submitter. Criteria: GeneDx Variant Classification Process June 2021. Collection method: clinical testing. Allele origin: germline. Affected: yes.
Comment: This variant is associated with the following publications: (PMID: 26567375)

Eurofins Ntd Llc (ga)
Classification: Uncertain significance. Last evaluated: 2017-05-11. Review status: criteria provided, single submitter. Criteria: EGL Classification Definitions 2015. Collection method: clinical testing. Allele origin: germline. Observed: 2 variant alleles, 1 heterozygote, 1 homozygote.

PreventionGenetics, part of Exact Sciences
Classification: Likely benign for TTN-related condition. Last evaluated: 2022-03-18. Review status: no assertion criteria provided. Collection method: clinical testing. Allele origin: germline. Not counted in ClinVar's aggregate classification.
Comment: This variant is classified as likely benign based on ACMG/AMP sequence variant interpretation guidelines (Richards et al. 2015 PMID: 25741868, with internal and published modifications).

Literature cited by the submitters: PubMed 26567375 (cited by 3 submitters).

NM_001267550.2(TTN):c.49406T>A (p.Leu16469His)

Genes: TTN-AS1 (TTN antisense RNA 1; plus strand), TTN (titin; minus strand). Cytogenetic location: 2q31.2.
Variant type: single nucleotide variant.
Coding change: c.49406T>A on transcript NM_001267550.2 (MANE Select); coding-DNA position 49406, T replaced by A.
Protein change: p.Leu16469His; replaces leucine 16469 with histidine.
Molecular consequence: missense variant.
Genome position (GRCh38, 1-based): chr2:178,613,877, A>T on the plus strand (T>A on the coding strand, the complement: TTN is on the minus strand). VCF-style: chr2-178613877-A-T. GRCh37 (hg19) VCF-style: chr2-179478604-A-T.
Other names: p.Leu14828His; c.44483T>A, p.Leu14828His (NM_001256850.1); c.22211T>A, p.Leu7404His (NM_003319.4); c.41702T>A, p.Leu13901His (NM_133378.4); c.22586T>A, p.Leu7529His (NM_133432.3); c.22787T>A, p.Leu7596His (NM_133437.4); short protein forms L16469H, L13901H, L14828H, L7404H, L7529H, L7596H.
Identifiers: ClinVar variation 413216 (VCV000413216.26), dbSNP rs72677245, ClinGen allele CA1994604.